The following is an entry in ClinVar:

NM_006648.4(WNK2):c.2758G>T (p.Ala920Ser)

Gene: WNK2 (WNK lysine deficient protein kinase 2; plus strand). Cytogenetic location: 9q22.31.
Variant type: single nucleotide variant.
Coding change: c.2758G>T on transcript NM_006648.4 (MANE Select); coding-DNA position 2758, G replaced by T.
Protein change: p.Ala920Ser; replaces alanine 920 with serine.
Molecular consequence: missense variant.
Genome position (GRCh38, 1-based): chr9:93,259,306, G>T. VCF-style: chr9-93259306-G-T. GRCh37 (hg19) VCF-style: chr9-96021588-G-T.
Other names: c.2758G>T, p.Ala920Ser (NM_001282394.3); short protein forms A920S.
Identifiers: ClinVar variation 4866710 (VCV004866710.1).

ClinVar aggregate classification (germline): Uncertain significance (1 of 4 stars; one submission).

Submission:

Ambry Genetics
Classification: Uncertain significance. Last evaluated: 2026-05-28. Review status: criteria provided, single submitter. Criteria: Ambry Variant Classification Scheme 2023. Collection method: clinical testing. Allele origin: germline.
Comment: The p.A920S variant (also known as c.2758G>T), located in coding exon 11 of the WNK2 gene, results from a G to T substitution at nucleotide position 2758. The alanine at codon 920 is replaced by serine, an amino acid with similar properties. This amino acid position is conserved. In addition, this alteration is predicted to be tolerated by in silico analysis. Based on the available evidence, the clinical significance of this variant remains unclear.